The following is an entry in ClinVar:

ClinVar aggregate classification (germline): Uncertain significance (1 of 4 stars; one submission).

Submission:

GeneDx
Classification: Uncertain significance. Last evaluated: 2023-08-03. Review status: criteria provided, single submitter. Criteria: GeneDx Variant Classification Process June 2021. Collection method: clinical testing. Allele origin: germline. Affected: yes.
Comment: Not observed at significant frequency in large population cohorts (gnomAD); Has not been previously published as pathogenic or benign to our knowledge; Variants in candidate genes are classified as variants of uncertain significance in accordance with ACMG guidelines (Richards et al., 2015); Frameshift variant predicted to result in protein truncation as the last 188 amino acids are replaced with 5 different amino acids in a gene for which loss of function is not a known mechanism of disease

NM_001377229.1(DISP1):c.4008del (p.Cys1337fs)

Gene: DISP1 (dispatched RND transporter family member 1; plus strand). Cytogenetic location: 1q41.
Variant type: Deletion.
Coding change: c.4008del on transcript NM_001377229.1 (MANE Select); coding-DNA position 4008, one base deleted (C; older notation c.4008delC).
Protein change: p.Cys1337fs; shifts the reading frame from cysteine 1337.
Molecular consequence: frameshift variant.
Genome position (GRCh38, 1-based): chr1:223,005,405, C deleted; the last of 3 consecutive C bases (chr1:223,005,403-223,005,405); deleting any one gives the same sequence. VCF-style (leftmost placement, unchanged base first): chr1-223005402-TC-T. GRCh37 (hg19) VCF-style: chr1-223178744-TC-T.
Other names: c.3279del, p.Cys1094fs (NM_001350630.2); c.4008del, p.Cys1337fs (NM_001369594.1, NM_001377228.1, NM_032890.5); c.4008delC (NM_032890.3); c.4008del (NM_032890.3); short protein forms C1094fs, C1337fs.
Identifiers: ClinVar variation 418161 (VCV000418161.3), dbSNP rs1064793099, ClinGen allele CA16617076.